The following is an entry in ClinVar:

ClinVar aggregate classification (germline): Uncertain significance (1 of 4 stars; one submission).

Conditions:
Pelizaeus-Merzbacher disease. Also called: LEUKODYSTROPHY, HYPOMYELINATING, 1; Sudanophilic leukodystrophy; Pelizaeus-Merzbacher spectrum disorder; Pelizaeus-Merzbacher Disease (PMD); Pelizeaus-Merzbacher spectrum disorder. Identifiers: Orphanet 702, MedGen C0205711, MONDO:0010714, OMIM 312080, HP:0003269.

Submission:

Molecular Diagnostics Lab, Nemours Children's Health, Delaware
Classification: Uncertain significance for Pelizaeus-Merzbacher disease. Last evaluated: 2022-01-25. Review status: criteria provided, single submitter. Criteria: ACMG Guidelines, 2015. Collection method: clinical testing. Allele origin: unknown. Inheritance: X-linked inheritance. Affected: yes. Observed: 1 hemizygote.
Comment: This intronic variant (c.697-3C>A) has not been observed in population databases (gnomAD) and has not been described in the literature.

NM_000533.5(PLP1):c.697-3C>A

Genes: PLP1 (proteolipid protein 1; plus strand), RAB9B (RAB9B, member RAS oncogene family; minus strand). Cytogenetic location: Xq22.2.
Variant type: single nucleotide variant.
Coding change: c.697-3C>A on transcript NM_000533.5 (MANE Select); 3 bases into the intron before coding-DNA position 697, C replaced by A.
Molecular consequence: intron variant.
Genome position (GRCh38, 1-based): chrX:103,789,330, C>A. VCF-style: chrX-103789330-C-A. GRCh37 (hg19) VCF-style: chrX-103044259-C-A.
Other names: c.697-3C>A (NM_001128834.3); c.592-3C>A (NM_199478.3); c.532-3C>A (NM_001305004.1).
Identifiers: ClinVar variation 3255450 (VCV003255450.2), dbSNP rs778487661.